The following is an entry in ClinVar:

ClinVar aggregate classification (germline): Uncertain significance (1 of 4 stars; one submission).

Conditions:
AGAP1-related disorder.

Submission:

3billion
Classification: Uncertain significance for AGAP1-related disorder. Last evaluated: 2025-12-15. Review status: criteria provided, single submitter. Criteria: ACMG Guidelines, 2015. Collection method: clinical testing. Allele origin: germline. Affected: yes.
Comment: The variant is not observed in the gnomAD v4.1.0 dataset. Predicted Consequence/Location: Intron variant In silico tools predict the variant to alter splicing and produce an abnormal transcript [SpliceAI: 0.20 (>=0.2, moderate evidence for spliceogenicity)]. Therefore, this variant is classified as VUS according to the recommendation of ACMG/AMP guideline.

NM_001037131.3(AGAP1):c.1646-6T>C

Gene: AGAP1 (ArfGAP with GTPase domain, ankyrin repeat and PH domain 1; plus strand). Cytogenetic location: 2q37.2.
Variant type: single nucleotide variant.
Coding change: c.1646-6T>C on transcript NM_001037131.3 (MANE Select); 6 bases into the intron before coding-DNA position 1646, T replaced by C.
Molecular consequence: intron variant.
Genome position (GRCh38, 1-based): chr2:236,036,555, T>C. VCF-style: chr2-236036555-T-C. GRCh37 (hg19) VCF-style: chr2-236945199-T-C.
Other names: c.1487-6T>C (NM_014914.5); c.2441-6T>C (NM_001436125.1); c.2282-6T>C (NM_001436126.1).
Identifiers: ClinVar variation 4854544 (VCV004854544.1).
Genomic context (GRCh38, chr2:236,036,555, plus strand): 5'-GAGGGCCCGCAGGGGGACTGCTGTCTCATAAAAGCTAAACTCTTCATCCCACACTCTGTG[T>C]TTCAGAACAAGAAGAAAATTTTGAGTTTATCATTGTGTCCCTCACTGGCCAAACATGGCA-3'